The following is an entry in ClinVar:

NM_022367.4(SEMA4A):c.1718A>C (p.Asn573Thr)

Gene: SEMA4A (semaphorin 4A; plus strand). Cytogenetic location: 1q22.
Variant type: single nucleotide variant.
Coding change: c.1718A>C on transcript NM_022367.4 (MANE Select); coding-DNA position 1718, A replaced by C.
Protein change: p.Asn573Thr; replaces asparagine 573 with threonine.
Molecular consequence: missense variant.
Genome position (GRCh38, 1-based): chr1:156,176,429, A>C. VCF-style: chr1-156176429-A-C. GRCh37 (hg19) VCF-style: chr1-156146220-A-C.
Other names: c.1718A>C, p.Asn573Thr (NM_001193300.2, NM_001193301.2, NM_001370567.1); c.1322A>C, p.Asn441Thr (NM_001193302.2); c.1421A>C, p.Asn474Thr (NM_001370568.1); c.1211A>C, p.Asn404Thr (NM_001370569.1, NM_001370571.1); short protein forms N404T, N441T, N474T, N573T.
Identifiers: ClinVar variation 844112 (VCV000844112.9), dbSNP rs755528006, ClinGen allele CA342811225.

ClinVar aggregate classification (germline): Uncertain significance (1 of 4 stars; one submission).

Allele frequency attached by ClinVar (database versions not stated): TOPMed below 0.00001.

Submission:

Labcorp Genetics (formerly Invitae), Labcorp
Classification: Uncertain significance. Last evaluated: 2019-11-28. Review status: criteria provided, single submitter. Criteria: Invitae Variant Classification Sherloc (09022015). Collection method: clinical testing. Allele origin: germline.
Comment: In summary, the available evidence is currently insufficient to determine the role of this variant in disease. Therefore, it has been classified as a Variant of Uncertain Significance. Algorithms developed to predict the effect of missense changes on protein structure and function are either unavailable or do not agree on the potential impact of this missense change (SIFT: "Tolerated"; PolyPhen-2: "Possibly Damaging"; Align-GVGD: "Class C0"). This variant has not been reported in the literature in individuals with SEMA4A-related conditions. This variant is not present in population databases (ExAC no frequency). This sequence change replaces asparagine with threonine at codon 573 of the SEMA4A protein (p.Asn573Thr). The asparagine residue is moderately conserved and there is a small physicochemical difference between asparagine and threonine.